The following is an entry in ClinVar:

NM_000038.6(APC):c.2107G>A (p.Ala703Thr)

Gene: APC (APC regulator of Wnt signaling pathway; plus strand). Cytogenetic location: 5q22.2.
Variant type: single nucleotide variant.
Coding change: c.2107G>A on transcript NM_000038.6 (MANE Select); coding-DNA position 2107, G replaced by A.
Protein change: p.Ala703Thr; replaces alanine 703 with threonine.
Molecular consequence: missense variant.
Genome position (GRCh38, 1-based): chr5:112,837,701, G>A. VCF-style: chr5-112837701-G-A. GRCh37 (hg19) VCF-style: chr5-112173398-G-A.
Other names: c.2107G>A (NM_000038.5); c.2107G>A, p.Ala703Thr (NM_001127510.3, NM_001354895.2); c.2053G>A, p.Ala685Thr (NM_001127511.3); c.2161G>A, p.Ala721Thr (NM_001354896.2); c.2137G>A, p.Ala713Thr (NM_001354897.2); c.2032G>A, p.Ala678Thr (NM_001354898.2); c.2023G>A, p.Ala675Thr (NM_001354899.2); c.1984G>A, p.Ala662Thr (NM_001354900.2); and 6 more; short protein forms A577T, A602T, A644T, A675T, A685T, A713T, A721T, A543T.
Identifiers: ClinVar variation 1363598 (VCV001363598.9), dbSNP rs2149860731, ClinGen allele CA16025935.

ClinVar aggregate classification (germline): Uncertain significance. Review status: criteria provided, multiple submitters, no conflicts (2 of 4 stars). 2 submissions from 2 submitters: Uncertain significance (2). Last evaluated 2025-03-09.

Conditions:
Hereditary cancer-predisposing syndrome. Also called: Neoplastic Syndromes, Hereditary; Tumor predisposition; Hereditary neoplastic syndrome; Hereditary Cancer Syndrome. Identifiers: Orphanet 140162, MedGen C0027672, MeSH D009386, MONDO:0015356.
Familial adenomatous polyposis 1 (FAP1). Also called: POLYPOSIS, ADENOMATOUS INTESTINAL; FAMILIAL ADENOMATOUS POLYPOSIS 1, ATTENUATED. Identifiers: MedGen C2713442, MONDO:0021056, OMIM 175100. Disease mechanism: loss of function.

Submissions (2):

Labcorp Genetics (formerly Invitae), Labcorp
Classification: Uncertain significance for Familial adenomatous polyposis 1. Last evaluated: 2025-03-09. Review status: criteria provided, single submitter. Criteria: Invitae Variant Classification Sherloc (09022015). Collection method: clinical testing. Allele origin: germline.
Comment: This sequence change replaces alanine, which is neutral and non-polar, with threonine, which is neutral and polar, at codon 703 of the APC protein (p.Ala703Thr). This variant is not present in population databases (gnomAD no frequency). This variant has not been reported in the literature in individuals affected with APC-related conditions. ClinVar contains an entry for this variant (Variation ID: 1363598). Invitae Evidence Modeling of protein sequence and biophysical properties (such as structural, functional, and spatial information, amino acid conservation, physicochemical variation, residue mobility, and thermodynamic stability) indicates that this missense variant is not expected to disrupt APC protein function with a negative predictive value of 95%. In summary, the available evidence is currently insufficient to determine the role of this variant in disease. Therefore, it has been classified as a Variant of Uncertain Significance.

Ambry Genetics
Classification: Uncertain significance for Hereditary cancer-predisposing syndrome. Last evaluated: 2023-11-16. Review status: criteria provided, single submitter. Criteria: Ambry Variant Classification Scheme 2023. Collection method: clinical testing. Allele origin: germline.
Comment: The p.A703T variant (also known as c.2107G>A), located in coding exon 15 of the APC gene, results from a G to A substitution at nucleotide position 2107. The alanine at codon 703 is replaced by threonine, an amino acid with similar properties. This amino acid position is highly conserved in available vertebrate species. In addition, in silico predictors for this gene do not accurately predict pathogenicity. Since supporting evidence is limited at this time, the clinical significance of this alteration remains unclear.